The following is an entry in ClinVar:

ClinVar aggregate classification (germline): Conflicting classifications of pathogenicity. Review status: criteria provided, conflicting classifications (1 of 4 stars). 5 submissions from 5 submitters: Pathogenic (3); Uncertain significance (1). 1 of the submissions does not count toward it. Last evaluated 2026-01-27.

Conditions:
CYP21A2-related disorder. Also called: CYP21A2-related condition.
21-Hydroxylase-Deficient Congenital Adrenal Hyperplasia. Also called: ADRENAL HYPERPLASIA III; ADRENAL HYPERPLASIA, CONGENITAL, DUE TO 21-HYDROXYLASE DEFICIENCY. Identifiers: MedGen C2936858, OMIM 201910.
Congenital adrenal hyperplasia. Identifiers: Orphanet 418, MedGen C0001627, MONDO:0018479, HP:0008258.

Allele frequency attached by ClinVar (database versions not stated): ExAC 0.00010; gnomAD 0.00017; ESP Exome Variant Server 0.00023; 1000 Genomes Project 30x 0.00047; 1000 Genomes Project 0.00080.
gnomAD v4.1: 130 of 1,613,450 alleles (0.0081%); highest among the groups gnomAD compares: African/African-American, 0.045%; 1 homozygote.

Submissions (5):

Women's Health and Genetics/Laboratory Corporation of America, LabCorp
Classification: Pathogenic for Congenital adrenal hyperplasia. Last evaluated: 2026-01-27. Review status: criteria provided, single submitter. Criteria: LabCorp Variant Classification Summary - May 2015. Collection method: clinical testing. Allele origin: germline.
Comment: Variant summary: CYP21A2 c.1100G>A (p.Arg367His) results in a non-conservative amino acid change in the encoded protein sequence. Algorithms developed to predict the effect of missense changes on protein structure and function are either unavailable or do not agree on the potential impact of this missense change. The variant allele was found at a frequency of 4.8e-05 in 248348 control chromosomes (gnomAD). This frequency is not significantly higher than estimated for disease-causing variants in CYP21A2, allowing no conclusion about variant significance. c.1100G>A has been observed in individuals affected with Congenital Adrenal Hyperplasia (e.g. Khattab_2016). These data indicate that the variant is likely to be associated with disease. A different variant affecting the same codon has been classified as likely pathogenic/pathogenic by our lab (c.1099C>T, p.Arg367Cys), supporting the critical relevance of codon 367 to CYP21A2 protein function. The following publications have been ascertained in the context of this evaluation (PMID: 21646284, 26291314). ClinVar contains an entry for this variant (Variation ID: 2684168). Based on the evidence outlined above, the variant was classified as pathogenic.

Otogenetics
Classification: Pathogenic for 21-Hydroxylase-Deficient Congenital Adrenal Hyperplasia. Last evaluated: 2025-10-29. Review status: criteria provided, single submitter. Criteria: ACMG Guidelines, 2015. Collection method: clinical testing. Allele origin: germline.
Comment: This variant was confirmed to be in CYP21A2 gene with the use of long-range/nesting PCR and Sanger sequencing. PM2: Maximum gnomAD MAF of 0.057% in African (AFR) subpopulation (<0.164% threshold); PM3_VeryStrong: Variant reported in trans with 3 pathogenic variants in 5 individuals affected with non-classical congenital adrenal hyperplasia (PMID: 21646284, 26291314); PM5: Pathogenic missense amino acid change occurs in same position: c.1099C>T;p.Arg367Cys (PMID: 7608290)

Athena Diagnostics
Classification: Pathogenic. Last evaluated: 2022-10-15. Review status: criteria provided, single submitter. Criteria: Athena Diagnostics Criteria. Collection method: clinical testing. Allele origin: unknown.
Comment: Frequency data for this variant in the general population cannot be distinguished from that of the CYP21P pseudogene, and are therefore uninformative in assessment of variant pathogenicity. This variant has been seen in trans with other recessive pathogenic CYP21A2 variants in multiple individuals with nonclassic CAH or in cases where the type of CAH was not specified. This variant segregates with nonclassic adrenal hyperplasia in one family (PMID: 26291314).

Newborn Screening Ontario, Children's Hospital of Eastern Ontario (CHEO)
Classification: Uncertain significance for 21-Hydroxylase-Deficient Congenital Adrenal Hyperplasia. Last evaluated: 2022-06-01. Review status: criteria provided, single submitter. Criteria: ACMG Guidelines, 2015. Collection method: clinical testing. Allele origin: germline. Inheritance: Autosomal recessive inheritance.

PreventionGenetics, part of Exact Sciences
Classification: Pathogenic for CYP21A2-related condition. Last evaluated: 2024-07-23. Review status: no assertion criteria provided. Collection method: clinical testing. Allele origin: germline. Not counted in ClinVar's aggregate classification.
Comment: The CYP21A2 c.1100G>A variant is predicted to result in the amino acid substitution p.Arg367His. This variant has been reported to be pathogenic for autosomal recessive congenital adrenal hyperplasia (CAH) (Ghizzoni et al. 2011. PubMed ID: 21646284; Khattab et al. 2015. PubMed ID: 26291314). In Khattab et al. study, this variant has been found in the compound heterozygous state with a severe pathogenic variant in individuals with non-classic (NC) CAH, suggesting this variant is a milder allele associated with NC-CAH likely due to the loss of one of two hydrogen bonds and thus weakening (but not abolishing) the ion pair interaction. This variant is reported in 0.049% of alleles in individuals of African descent in gnomAD. This variant falls within a highly paralogous region. Allele frequency data should be interpreted with caution. This variant is interpreted as pathogenic.

Literature cited by the submitters: PubMed 26291314 (cited by 3 submitters); PubMed 21646284 (cited by 3 submitters); PubMed 7608290 (cited by Otogenetics); PubMed 32616876 (cited by Athena Diagnostics); PubMed 24225272 (cited by Athena Diagnostics); PubMed 25087612 (cited by Athena Diagnostics); PubMed 23359706 (cited by Athena Diagnostics).

NM_000500.9(CYP21A2):c.1100G>A (p.Arg367His)

Genes: CYP21A2 (cytochrome P450 family 21 subfamily A member 2; plus strand), LOC106780800 (CYP21A2 recombination region; plus strand). Cytogenetic location: 6p21.33.
Variant type: single nucleotide variant.
Coding change: c.1100G>A on transcript NM_000500.9 (MANE Select); coding-DNA position 1100, G replaced by A.
Protein change: p.Arg367His; replaces arginine 367 with histidine.
Molecular consequence: missense variant.
Genome position (GRCh38, 1-based): chr6:32,040,566, G>A. VCF-style: chr6-32040566-G-A. GRCh37 (hg19) VCF-style: chr6-32008343-G-A.
Other names: c.1010G>A, p.Arg337His (NM_001128590.4); c.695G>A, p.Arg232His (NM_001368143.2, NM_001368144.2); short protein forms R232H, R337H, R367H.
Identifiers: ClinVar variation 2684168 (VCV002684168.5), dbSNP rs376035565, ClinGen allele CA3732634.
Genomic context (GRCh38, chr6:32,040,566, plus strand): 5'-ATGCCACCATCGCCGAGGTGCTGCGCCTGCGGCCCGTTGTGCCCTTAGCCTTGCCCCACC[G>A]CACCACACGGCCCAGCAGGTGACTCCCGAGGGTTGGGGATGAGTGAGGAAAGCCCGAGCC-3'
Protein context (NP_000491.4, residues 357-377): RPVVPLALPH[Arg367His]TTRPSSISGY